The following is an entry in ClinVar:

ClinVar aggregate classification (germline): Pathogenic. Review status: reviewed by expert panel (3 of 4 stars). 5 submissions from 5 submitters: Pathogenic (1). 4 of the submissions do not count toward it. Last evaluated 2022-06-08.

Conditions:
Glanzmann thrombasthenia 1 (GT1). Also called: BLEEDING DISORDER, PLATELET-TYPE, 2; GP IIb-IIIa COMPLEX DEFICIENCY; GLYCOPROTEIN COMPLEX IIb-IIIa DEFICIENCY; PLATELET FIBRINOGEN RECEPTOR DEFICIENCY. Identifiers: MedGen CN300358, MONDO:0031332, OMIM 273800.
Glanzmann thrombasthenia. Also called: THROMBASTHENIA OF GLANZMANN AND NAEGELI; Glanzmann's thrombasthenia; Thrombasthenia; PLATELET GLYCOPROTEIN IIb-IIIa DEFICIENCY. Identifiers: Orphanet 849, MedGen C0040015, MONDO:0100326.

Allele frequency attached by ClinVar (database versions not stated): gnomAD exomes below 0.00001; ExAC 0.00001; gnomAD 0.00001.
gnomAD v4.1: 1 of 1,613,122 alleles (0.000062%); highest among the groups gnomAD compares: Non-Finnish European, 0.000085%; no homozygotes.

Submissions (5):

ClinGen Platelet Disorders Variant Curation Expert Panel, ClinGen
Classification: Pathogenic for Glanzmann thrombasthenia. Last evaluated: 2022-06-08. Review status: reviewed by expert panel. Criteria: ClinGen Platelet ACMG Specifications v2-1. Collection method: curation. Allele origin: germline. Inheritance: Autosomal recessive inheritance.
Comment: The NM_000419.5(ITGA2B):c.1752+2T>C splice variant is predicted to cause skipping of exon 17, introducing a premature termination codon, and the resulting mRNA product is predicted to undergo nonsense mediated decay, leading to loss of normal protein function. This variant has been observed in homozygosity in two individuals reported to have Glanzmann's thrombasthenia (GT), however sufficient phenotype information was not provided to determine if the individual's phenotype is specific for GT. This variant is at an extremely low population frequency with an overall allele frequency from gnomAD of 0.000003988 and MAF of 0.000008834 in the non-Finnish European population. In summary, this variant meets criteria to be classified as pathogenic for GT. GT-specific criteria applied: PVS1, PM2_Supporting, and PM3.

Labcorp Genetics (formerly Invitae), Labcorp
Classification: Pathogenic for Glanzmann thrombasthenia. Last evaluated: 2023-12-01. Review status: criteria provided, single submitter. Criteria: Invitae Variant Classification Sherloc (09022015). Collection method: clinical testing. Allele origin: germline. Not counted in ClinVar's aggregate classification.
Comment: This sequence change affects a donor splice site in intron 17 of the ITGA2B gene. It is expected to disrupt RNA splicing. Variants that disrupt the donor or acceptor splice site typically lead to a loss of protein function (PMID: 16199547), and loss-of-function variants in ITGA2B are known to be pathogenic (PMID: 21917754). This variant is present in population databases (rs769156315, gnomAD 0.0009%). Disruption of this splice site has been observed in individuals with autosomal recessive Glanzmann thrombasthenia (PMID: 21113249, 32089034). This variant is also known as 1754T→C . ClinVar contains an entry for this variant (Variation ID: 977128). Algorithms developed to predict the effect of sequence changes on RNA splicing suggest that this variant may disrupt the consensus splice site. For these reasons, this variant has been classified as Pathogenic.

Institute of Medical Genetics and Applied Genomics, University Hospital Tübingen
Classification: Likely pathogenic. Last evaluated: 2020-10-23. Review status: criteria provided, single submitter. Criteria: ACMG Guidelines, 2015. Collection method: clinical testing. Allele origin: germline. Inheritance: Autosomal unknown. Affected: yes. Not counted in ClinVar's aggregate classification.

Departement d'Immunology Plaquettaire, Institut National de la Transfusion Sanguine
Classification: Pathogenic for Glanzmann thrombasthenia 1. Review status: criteria provided, single submitter. Criteria: ACMG Guidelines, 2015. Collection method: provider interpretation, research. Allele origin: germline. Inheritance: Autosomal recessive inheritance. Affected: yes. Observed: 16 variant alleles, 6 heterozygotes, 10 homozygotes. Not counted in ClinVar's aggregate classification.
Comment: The variant alters the expression of the platelets fibrinogen receptor alphaIIb beta3

Neuberg Centre For Genomic Medicine, NCGM
Classification: Pathogenic for Glanzmann thrombasthenia 1. Review status: criteria provided, single submitter. Criteria: ACMG Guidelines, 2015. Collection method: clinical testing. Allele origin: germline. Inheritance: Autosomal recessive inheritance. Affected: yes. Not counted in ClinVar's aggregate classification.
Comment: The splice variant c.1752+2T>C in ITGA2B gene is predicted to cause skipping of exon 17, introducing a premature termination codon, and the resulting mRNA product is predicted to undergo nonsense mediated decay, leading to loss of normal protein function. This variant has been observed in homozygosity in two individuals reported to have Glanzmann's thrombasthenia (Nurden AT), however sufficient phenotype information was not provided to determine if the individual's phenotype is specific for GT. The variant is reported with the allele frequency of 0.0003988% in gnomAD and is novel (not in any individuals) in 1000 Genomes. This variant has been reported to the ClinVar database as pathogenic. The nucleotide change in ITGA2B is predicted as conserved by GERP++ and PhyloP across 100 vertebrates. For these reasons, this variant has been classified as pathogenic.

Literature cited by the submitters: PubMed 16199547 (cited by Labcorp Genetics (formerly Invitae), Labcorp); PubMed 21917754 (cited by Labcorp Genetics (formerly Invitae), Labcorp); PubMed 21113249 (cited by Labcorp Genetics (formerly Invitae), Labcorp); PubMed 32089034 (cited by Labcorp Genetics (formerly Invitae), Labcorp); PubMed 32139434 (cited by Departement d'Immunology Plaquettaire, Institut National de la Transfusion Sanguine); PubMed 16722529 (cited by Departement d'Immunology Plaquettaire, Institut National de la Transfusion Sanguine).

NM_000419.5(ITGA2B):c.1752+2T>C

Gene: ITGA2B (integrin subunit alpha 2b; minus strand). Cytogenetic location: 17q21.31.
Variant type: single nucleotide variant.
Coding change: c.1752+2T>C on transcript NM_000419.5 (MANE Select); the canonical splice donor site of the intron after coding-DNA position 1752, T replaced by C.
Molecular consequence: splice donor variant.
Genome position (GRCh38, 1-based): chr17:44,380,000, A>G on the plus strand (T>C on the coding strand, the complement: ITGA2B is on the minus strand). VCF-style: chr17-44380000-A-G. GRCh37 (hg19) VCF-style: chr17-42457368-A-G.
Identifiers: ClinVar variation 977128 (VCV000977128.9), dbSNP rs769156315, ClinGen allele CA8602969.